The following is an entry in ClinVar:

NM_001253852.3(AP4B1):c.1460G>A (p.Arg487Gln)

Genes: AP4B1 (adaptor related protein complex 4 subunit beta 1; minus strand), AP4B1-AS1 (AP4B1 antisense RNA 1; plus strand). Cytogenetic location: 1p13.2.
Variant type: single nucleotide variant.
Coding change: c.1460G>A on transcript NM_001253852.3 (MANE Select); coding-DNA position 1460, G replaced by A.
Protein change: p.Arg487Gln; replaces arginine 487 with glutamine.
Molecular consequence: missense variant.
Genome position (GRCh38, 1-based): chr1:113,896,308, C>T on the plus strand (G>A on the coding strand, the complement: AP4B1 is on the minus strand). VCF-style: chr1-113896308-C-T. GRCh37 (hg19) VCF-style: chr1-114438930-C-T.
Other names: c.1163G>A, p.Arg388Gln (NM_001253853.3); c.956G>A, p.Arg319Gln (NM_001308312.2); c.1460G>A, p.Arg487Gln (NM_006594.5); short protein forms R319Q, R388Q, R487Q.
Identifiers: ClinVar variation 647839 (VCV000647839.8), dbSNP rs375080258, ClinGen allele CA1015790.

ClinVar aggregate classification (germline): Uncertain significance. Review status: criteria provided, multiple submitters, no conflicts (2 of 4 stars). 2 submissions from 2 submitters: Uncertain significance (2). Last evaluated 2025-01-15.

Conditions:
Hereditary spastic paraplegia 47. Also called: adaptor protein 4 (AP-4) deficiency syndrome; CEREBRAL PALSY, SPASTIC QUADRIPLEGIC, 5; Spastic paraplegia 47, autosomal recessive. Identifiers: Orphanet 280763, MedGen C3279738, MONDO:0013551, OMIM 614066.

Allele frequency attached by ClinVar (database versions not stated): gnomAD 0.00002; TOPMed 0.00002; ESP Exome Variant Server 0.00008.

Submissions (2):

Labcorp Genetics (formerly Invitae), Labcorp
Classification: Uncertain significance for Hereditary spastic paraplegia 47. Last evaluated: 2025-01-15. Review status: criteria provided, single submitter. Criteria: Invitae Variant Classification Sherloc (09022015). Collection method: clinical testing. Allele origin: germline.
Comment: This sequence change replaces arginine, which is basic and polar, with glutamine, which is neutral and polar, at codon 487 of the AP4B1 protein (p.Arg487Gln). This variant is present in population databases (rs375080258, gnomAD 0.004%). This variant has not been reported in the literature in individuals affected with AP4B1-related conditions. ClinVar contains an entry for this variant (Variation ID: 647839). Invitae Evidence Modeling of protein sequence and biophysical properties (such as structural, functional, and spatial information, amino acid conservation, physicochemical variation, residue mobility, and thermodynamic stability) has been performed for this missense variant. However, the output from this modeling did not meet the statistical confidence thresholds required to predict the impact of this variant on AP4B1 protein function. In summary, the available evidence is currently insufficient to determine the role of this variant in disease. Therefore, it has been classified as a Variant of Uncertain Significance.

Blueprint Genetics
Classification: Uncertain significance. Last evaluated: 2020-02-25. Review status: criteria provided, single submitter. Criteria: ACMG Guidelines, 2015. Collection method: clinical testing. Allele origin: germline.